The following is an entry in ClinVar:

NM_001083962.2(TCF4):c.*452T>G

Gene: TCF4 (transcription factor 4; minus strand). Cytogenetic location: 18q21.2.
Variant type: single nucleotide variant.
Coding change: c.*452T>G on transcript NM_001083962.2 (MANE Select); 452 bases downstream of the stop codon, T replaced by G.
Molecular consequence: 3 prime UTR variant.
Genome position (GRCh38, 1-based): chr18:55,227,583, A>C on the plus strand (T>G on the coding strand, the complement: TCF4 is on the minus strand). VCF-style: chr18-55227583-A-C. GRCh37 (hg19) VCF-style: chr18-52894814-A-C.
Other names: c.*452T>G (NM_001243226.3, NM_001243227.2, NM_001243228.2 and 42 more transcripts).
Identifiers: ClinVar variation 891865 (VCV000891865.31), dbSNP rs541527476, ClinGen allele CA300792495.
Genomic context (GRCh38, chr18:55,227,583, plus strand): 5'-CCTAATTCAATATCCAGTAATTATAAACACTAGCTGACTTGAATACCAACAAAAACGTTC[A>C]TGTAGTTTTCTTCAGAAGTACACTTTTTCATTATTGCAAGTTTACAATTTTTTTTAAATT-3'

ClinVar aggregate classification (germline): Conflicting classifications of pathogenicity. Review status: criteria provided, conflicting classifications (1 of 4 stars). 2 submissions from 2 submitters: Uncertain significance (1); Likely benign (1). Last evaluated 2023-06-01.

Conditions:
Pitt-Hopkins syndrome (PTHS). Also called: MENTAL RETARDATION, SYNDROMAL, WITH INTERMITTENT HYPERVENTILATION; ENCEPHALOPATHY, SEVERE EPILEPTIC, WITH AUTONOMIC DYSFUNCTION. Identifiers: Orphanet 2896, MedGen C1970431, MONDO:0012589, OMIM 610954.

Allele frequency attached by ClinVar (database versions not stated): TOPMed 0.00073; gnomAD 0.00077 and 0.00081; 1000 Genomes Project 30x 0.00109.

Submissions (2):

CeGaT Center for Human Genetics Tuebingen
Classification: Likely benign. Last evaluated: 2023-06-01. Review status: criteria provided, single submitter. Criteria: CeGaT Center For Human Genetics Tuebingen Variant Classification Criteria Version 2. Collection method: clinical testing. Allele origin: germline. Affected: yes. Observed: 5 variant alleles.
Comment: TCF4: BS1

Illumina Laboratory Services, Illumina
Classification: Uncertain significance for Pitt-Hopkins syndrome. Last evaluated: 2018-01-12. Review status: criteria provided, single submitter. Criteria: ICSL Variant Classification Criteria 13 December 2019. Collection method: clinical testing. Allele origin: germline.